The following is an entry in ClinVar:

ClinVar aggregate classification (germline): Uncertain significance. Review status: criteria provided, multiple submitters, no conflicts (2 of 4 stars). 3 submissions from 3 submitters: Uncertain significance (3). Last evaluated 2022-10-31.

Conditions:
Baller-Gerold syndrome (BGS). Also called: CRANIOSYNOSTOSIS WITH RADIAL DEFECTS. Identifiers: Orphanet 1225, MedGen C0265308, MONDO:0009039, OMIM 218600.
Rothmund-Thomson syndrome type 2 (RTS2). Identifiers: Orphanet 221016, MedGen C5203410, MONDO:0016369, OMIM 268400.
Hereditary cancer-predisposing syndrome. Also called: Neoplastic Syndromes, Hereditary; Tumor predisposition; Hereditary neoplastic syndrome; Hereditary Cancer Syndrome. Identifiers: Orphanet 140162, MedGen C0027672, MeSH D009386, MONDO:0015356.

Allele frequency attached by ClinVar (database versions not stated): gnomAD exomes below 0.00001; TOPMed 0.00002; gnomAD 0.00003; ESP Exome Variant Server 0.00008.
gnomAD v4.1: 7 of 1,608,826 alleles (0.00044%); highest among the groups gnomAD compares: African/African-American, 0.004%; no homozygotes.

Submissions (3):

St. Jude Molecular Pathology, St. Jude Children's Research Hospital
Classification: Uncertain significance for Rothmund-Thomson syndrome type 2. Last evaluated: 2022-10-31. Review status: criteria provided, single submitter. Criteria: St. Jude Assertion Criteria 2020. Collection method: clinical testing. Allele origin: germline.
Comment: The RECQL4 c.3287C>T (p.Arg1096Cys) missense change has a maximum subpopulation frequency of 0.005% in gnomAD v2.1.1. The in silico tool REVEL is inconclusive about a pathogenic or benign effect of this variant on protein function, and to our knowledge functional studies have not been performed. To our knowledge, this variant has not been reported in individuals with RECQL4-associated conditions. In summary, the evidence currently available is insufficient to determine the clinical significance of this variant. It has therefore been classified as of uncertain significance.

Labcorp Genetics (formerly Invitae), Labcorp
Classification: Uncertain significance for Baller-Gerold syndrome. Last evaluated: 2022-08-31. Review status: criteria provided, single submitter. Criteria: Invitae Variant Classification Sherloc (09022015). Collection method: clinical testing. Allele origin: germline.
Comment: This sequence change replaces arginine, which is basic and polar, with cysteine, which is neutral and slightly polar, at codon 1096 of the RECQL4 protein (p.Arg1096Cys). This variant is not present in population databases (gnomAD no frequency). This variant has not been reported in the literature in individuals affected with RECQL4-related conditions. ClinVar contains an entry for this variant (Variation ID: 528921). In summary, the available evidence is currently insufficient to determine the role of this variant in disease. Therefore, it has been classified as a Variant of Uncertain Significance.

Sema4
Classification: Uncertain significance for Hereditary cancer-predisposing syndrome. Last evaluated: 2021-12-13. Review status: criteria provided, single submitter. Criteria: Sema4 Curation Guidelines. Collection method: curation. Allele origin: germline.
Comment: The RECQL4 c.3286C>T (p.R1096C) variant has not been reported in the literature to our knowledge. It was not observed in the large and broad cohorts of the Genome Aggregation Database (PMID: 32461654). This variant has been reported in ClinVar (Variation ID 528921). Functional studies have not been performed, and in silico predictions of the variant's effect on protein function are inconclusive. The evidence is insufficient to meet ACMG/AMP criteria for classifying the variant as benign or pathogenic. Thus, the clinical significance of this variant is currently uncertain.

NM_004260.4(RECQL4):c.3286C>T (p.Arg1096Cys)

Gene: RECQL4 (RecQ like helicase 4; minus strand). Cytogenetic location: 8q24.3.
Variant type: single nucleotide variant.
Coding change: c.3286C>T on transcript NM_004260.4 (MANE Select); coding-DNA position 3286, C replaced by T.
Protein change: p.Arg1096Cys; replaces arginine 1096 with cysteine.
Molecular consequence: missense variant.
Genome position (GRCh38, 1-based): chr8:144,512,018, G>A on the plus strand (C>T on the coding strand, the complement: RECQL4 is on the minus strand). VCF-style: chr8-144512018-G-A. GRCh37 (hg19) VCF-style: chr8-145737401-G-A.
Other names: short protein forms R1096C.
Identifiers: ClinVar variation 528921 (VCV000528921.10), dbSNP rs371049072, ClinGen allele CA187679154.